The following is an entry in ClinVar:

ClinVar aggregate classification (germline): Uncertain significance (1 of 4 stars; one submission).

Allele frequency attached by ClinVar (database versions not stated): ExAC 0.00001.
gnomAD v4.1: 7 of 1,613,254 alleles (0.00043%); highest among the groups gnomAD compares: South Asian, 0.0011%; no homozygotes.

Submission:

Labcorp Genetics (formerly Invitae), Labcorp
Classification: Uncertain significance. Last evaluated: 2022-09-07. Review status: criteria provided, single submitter. Criteria: Invitae Variant Classification Sherloc (09022015). Collection method: clinical testing. Allele origin: germline.
Comment: This variant is present in population databases (rs753862679, gnomAD 0.002%). In summary, the available evidence is currently insufficient to determine the role of this variant in disease. Therefore, it has been classified as a Variant of Uncertain Significance. Algorithms developed to predict the effect of sequence changes on RNA splicing suggest that this variant may create or strengthen a splice site. Algorithms developed to predict the effect of missense changes on protein structure and function are either unavailable or do not agree on the potential impact of this missense change (SIFT: "Deleterious"; PolyPhen-2: "Possibly Damaging"; Align-GVGD: "Class C15"). This variant has not been reported in the literature in individuals affected with PLOD3-related conditions. This sequence change replaces aspartic acid, which is acidic and polar, with asparagine, which is neutral and polar, at codon 115 of the PLOD3 protein (p.Asp115Asn).

NM_001084.5(PLOD3):c.343G>A (p.Asp115Asn)

Gene: PLOD3 (procollagen-lysine,2-oxoglutarate 5-dioxygenase 3; minus strand). Cytogenetic location: 7q22.1.
Variant type: single nucleotide variant.
Coding change: c.343G>A on transcript NM_001084.5 (MANE Select); coding-DNA position 343, G replaced by A.
Protein change: p.Asp115Asn; replaces aspartic acid 115 with asparagine.
Molecular consequence: missense variant.
Genome position (GRCh38, 1-based): chr7:101,216,322, C>T on the plus strand (G>A on the coding strand, the complement: PLOD3 is on the minus strand). VCF-style: chr7-101216322-C-T. GRCh37 (hg19) VCF-style: chr7-100859603-C-T.
Other names: short protein forms D115N.
Identifiers: ClinVar variation 2055296 (VCV002055296.4), dbSNP rs753862679, ClinGen allele CA4408217.
Genomic context (GRCh38, chr7:101,216,322, plus strand): 5'-GGCTGCCACTCTGGACGAACTTCTTCAGCAGCTCTGTGGGGCTGCCGGCCAGAATCACGT[C>T]GTAGCTGGGTGAGGAAGGGGAGGATGGGCAGGGGTCCACTGGGAACCTCAGCATCCTTAC-3'
Protein context (NP_001075.1, residues 105-125): DMIIMFVDSY[Asp115Asn]VILAGSPTEL